The following is an entry in ClinVar:

NM_001242896.3(DEPDC5):c.361T>G (p.Leu121Val)

Gene: DEPDC5 (DEP domain containing 5, GATOR1 subcomplex subunit; plus strand). Cytogenetic location: 22q12.2.
Variant type: single nucleotide variant.
Coding change: c.361T>G on transcript NM_001242896.3 (MANE Select); coding-DNA position 361, T replaced by G.
Protein change: p.Leu121Val; replaces leucine 121 with valine.
Molecular consequence: missense variant. On other transcripts: non-coding transcript variant (5), intron variant (2).
Genome position (GRCh38, 1-based): chr22:31,766,666, T>G. VCF-style: chr22-31766666-T-G. GRCh37 (hg19) VCF-style: chr22-32162652-T-G.
Other names: c.361T>G, p.Leu121Val (NM_001007188.4, NM_001136029.4, NM_001242897.2 and 7 more transcripts); c.279+1606T>G (NM_001369902.1, NM_001369901.1); short protein forms L121V.
Identifiers: ClinVar variation 1379973 (VCV001379973.6), dbSNP rs2148128852, ClinGen allele CA411282614.
Genomic context (GRCh38, chr22:31,766,666, plus strand): 5'-GAATTAACTTTTAAGGATCAGTATATTGGCCGTGGGGATATGTGGCGACTAAAGAAAAGT[T>G]TGGTAAGATGTGATTTTTTTTGAAAGTCTGTTACTTTTTCCATTATGTGAATAATCCCTG-3'
Protein context (NP_001229825.1, residues 111-131): RGDMWRLKKS[Leu121Val]VSTCAYITQK

ClinVar aggregate classification (germline): Uncertain significance (1 of 4 stars; one submission).

Conditions:
Familial focal epilepsy with variable foci (FPEVF). Identifiers: Orphanet 98820, MedGen C1858477, MONDO:0020310.

Submission:

Labcorp Genetics (formerly Invitae), Labcorp
Classification: Uncertain significance for Familial focal epilepsy with variable foci. Last evaluated: 2022-09-07. Review status: criteria provided, single submitter. Criteria: Invitae Variant Classification Sherloc (09022015). Collection method: clinical testing. Allele origin: germline.
Comment: In summary, the available evidence is currently insufficient to determine the role of this variant in disease. Therefore, it has been classified as a Variant of Uncertain Significance. Algorithms developed to predict the effect of missense changes on protein structure and function are either unavailable or do not agree on the potential impact of this missense change (SIFT: "Deleterious"; PolyPhen-2: "Not Available"; Align-GVGD: "Class C25"). ClinVar contains an entry for this variant (Variation ID: 1379973). This variant has not been reported in the literature in individuals affected with DEPDC5-related conditions. This variant is not present in population databases (gnomAD no frequency). This sequence change replaces leucine, which is neutral and non-polar, with valine, which is neutral and non-polar, at codon 121 of the DEPDC5 protein (p.Leu121Val).